The following is an entry in ClinVar:

ClinVar aggregate classification (germline): Likely benign (1 of 4 stars; one submission).

Submission:

CeGaT Center for Human Genetics Tuebingen
Classification: Likely benign. Last evaluated: 2024-10-01. Review status: criteria provided, single submitter. Criteria: CeGaT Center For Human Genetics Tuebingen Variant Classification Criteria Version 2. Collection method: clinical testing. Allele origin: germline. Affected: yes. Observed: 1 variant allele.
Comment: KMT2A: PM2:Supporting, BP4, BP7

NM_001197104.2(KMT2A):c.174G>C (p.Pro58=)

Gene: KMT2A (lysine methyltransferase 2A; plus strand). Cytogenetic location: 11q23.3.
Variant type: single nucleotide variant.
Coding change: c.174G>C on transcript NM_001197104.2 (MANE Select); coding-DNA position 174, G replaced by C.
Protein change: p.Pro58=; no amino-acid change (proline 58 retained).
Molecular consequence: synonymous variant.
Genome position (GRCh38, 1-based): chr11:118,436,686, G>C. VCF-style: chr11-118436686-G-C. GRCh37 (hg19) VCF-style: chr11-118307401-G-C.
Other names: c.174G>C, p.Pro58= (NM_001412597.1, NM_005933.4).
Identifiers: ClinVar variation 3388602 (VCV003388602.14).